The following is an entry in ClinVar:

ClinVar aggregate classification (germline): Uncertain significance (1 of 4 stars; one submission).

Conditions:
Snijders blok-fisher syndrome. Identifiers: Orphanet 656135, MedGen C5231424, MONDO:0032830, OMIM 618604.

Submission:

Neuberg Centre For Genomic Medicine, NCGM
Classification: Uncertain significance for Snijders blok-fisher syndrome. Last evaluated: 2023-05-20. Review status: criteria provided, single submitter. Criteria: ACMG Guidelines, 2015. Collection method: clinical testing. Allele origin: germline. Inheritance: Autosomal dominant inheritance. Affected: yes.
Comment: The observed missense c.1224G>C(p.Lys408Asn) variant in POU3F3 gene has not been reported previously as a pathogenic variant nor as a benign variant, to our knowledge. This variant is absent in gnomAD Exomes. The amino acid Lys at position 408 is changed to a Asn changing protein sequence and it might alter its composition and physico-chemical properties. The amino acid change p.Lys408Asn in POU3F3 is predicted as conserved by GERP++ and PhyloP across 100 vertebrates. Multiple lines of computational evidence (Polyphen - Damaging, SIFT - Damaging, and MutationTaster - Disease causing) predict a damaging effect on protein structure and function for this variant. For these reasons, this variant has been classified as Uncertain Significance.

NM_006236.3(POU3F3):c.1224G>C (p.Lys408Asn)

Gene: POU3F3 (POU class 3 homeobox 3; plus strand). Cytogenetic location: 2q12.1.
Variant type: single nucleotide variant.
Coding change: c.1224G>C on transcript NM_006236.3 (MANE Select); coding-DNA position 1224, G replaced by C.
Protein change: p.Lys408Asn; replaces lysine 408 with asparagine.
Molecular consequence: missense variant.
Genome position (GRCh38, 1-based): chr2:104,856,734, G>C. VCF-style: chr2-104856734-G-C. GRCh37 (hg19) VCF-style: chr2-105473192-G-C.
Other names: short protein forms K408N.
Identifiers: ClinVar variation 3362354 (VCV003362354.3).
Genomic context (GRCh38, chr2:104,856,734, plus strand): 5'-CTCAAGCACCGGCAGCCCCACAAGCATCGACAAGATCGCGGCGCAGGGCCGCAAGCGCAA[G>C]AAGCGGACCTCTATCGAGGTGAGCGTCAAGGGCGCGCTGGAGAGCCACTTCCTCAAGTGC-3'
Protein context (NP_006227.1, residues 398-418): DKIAAQGRKR[Lys408Asn]KRTSIEVSVK